The following is an entry in ClinVar:

NM_006514.4(SCN10A):c.4726C>T (p.Arg1576Cys)

Gene: SCN10A (sodium voltage-gated channel alpha subunit 10; minus strand). Cytogenetic location: 3p22.2.
Variant type: single nucleotide variant.
Coding change: c.4726C>T on transcript NM_006514.4 (MANE Select); coding-DNA position 4726, C replaced by T.
Protein change: p.Arg1576Cys; replaces arginine 1576 with cysteine.
Molecular consequence: missense variant.
Genome position (GRCh38, 1-based): chr3:38,698,494, G>A on the plus strand (C>T on the coding strand, the complement: SCN10A is on the minus strand). VCF-style: chr3-38698494-G-A. GRCh37 (hg19) VCF-style: chr3-38739985-G-A.
Other names: c.4723C>T, p.Arg1575Cys (NM_001293306.2); c.4432C>T, p.Arg1478Cys (NM_001293307.2); short protein forms R1478C, R1575C, R1576C.
Identifiers: ClinVar variation 1423696 (VCV001423696.9), dbSNP rs764476034, ClinGen allele CA2319827.

ClinVar aggregate classification (germline): Uncertain significance. Review status: criteria provided, multiple submitters, no conflicts (2 of 4 stars). 3 submissions from 3 submitters: Uncertain significance (3). Last evaluated 2025-11-17.

Conditions:
Cardiovascular phenotype. Identifiers: MedGen CN230736.
Brugada syndrome. Also called: Sudden unexplained nocturnal death syndrome; Sudden unexpected nocturnal death syndrome; Sudden Unexplained Death Syndrome; Sudden Unexplained Nocturnal Death Syndrome (SUNDS). Identifiers: Orphanet 130, MedGen C1142166, MONDO:0015263.
Episodic pain syndrome, familial, 2 (FEPS2). Identifiers: Orphanet 306577, MedGen C3809893, MONDO:0014246, OMIM 615551.

Allele frequency attached by ClinVar (database versions not stated): ExAC 0.00001; gnomAD exomes 0.00001; gnomAD 0.00003 and 0.00004; TOPMed 0.00006.
gnomAD v4.1: 24 of 1,614,042 alleles (0.0015%); highest among the groups gnomAD compares: African/African-American, 0.0053%; no homozygotes.

Submissions (3):

Labcorp Genetics (formerly Invitae), Labcorp
Classification: Uncertain significance for Brugada syndrome. Last evaluated: 2025-11-17. Review status: criteria provided, single submitter. Criteria: Invitae Variant Classification Sherloc (09022015). Collection method: clinical testing. Allele origin: germline.
Comment: This sequence change replaces arginine, which is basic and polar, with cysteine, which is neutral and slightly polar, at codon 1576 of the SCN10A protein (p.Arg1576Cys). This variant is present in population databases (rs764476034, gnomAD 0.007%). This variant has not been reported in the literature in individuals affected with SCN10A-related conditions. ClinVar contains an entry for this variant (Variation ID: 1423696). Invitae Evidence Modeling of protein sequence and biophysical properties (such as structural, functional, and spatial information, amino acid conservation, physicochemical variation, residue mobility, and thermodynamic stability) indicates that this missense variant is expected to disrupt SCN10A protein function with a positive predictive value of 80%. In summary, the available evidence is currently insufficient to determine the role of this variant in disease. Therefore, it has been classified as a Variant of Uncertain Significance.

Ambry Genetics
Classification: Uncertain significance for Cardiovascular phenotype. Last evaluated: 2024-08-11. Review status: criteria provided, single submitter. Criteria: Ambry Variant Classification Scheme 2023. Collection method: clinical testing. Allele origin: germline.
Comment: The p.R1576C variant (also known as c.4726C>T), located in coding exon 27 of the SCN10A gene, results from a C to T substitution at nucleotide position 4726. The arginine at codon 1576 is replaced by cysteine, an amino acid with highly dissimilar properties. This amino acid position is highly conserved in available vertebrate species. In addition, this alteration is predicted to be deleterious by in silico analysis. Since supporting evidence is limited at this time, the clinical significance of this alteration remains unclear.

Fulgent Genetics
Classification: Uncertain significance for Episodic pain syndrome, familial, 2. Last evaluated: 2021-09-03. Review status: criteria provided, single submitter. Criteria: ACMG Guidelines, 2015. Collection method: clinical testing. Allele origin: unknown.